The following is an entry in ClinVar:

NM_018180.3(DHX32):c.1985C>T (p.Pro662Leu)

Genes: BCCIP (BRCA2 and CDKN1A interacting protein; plus strand), DHX32 (DEAH-box helicase 32 (putative); minus strand). Cytogenetic location: 10q26.2.
Variant type: single nucleotide variant.
Coding change: c.1985C>T on transcript NM_018180.3 (MANE Select); coding-DNA position 1985, C replaced by T.
Protein change: p.Pro662Leu; replaces proline 662 with leucine.
Molecular consequence: missense variant. On other transcripts: intron variant (2).
Genome position (GRCh38, 1-based): chr10:125,838,284, G>A on the plus strand (C>T on the coding strand, the complement: DHX32 is on the minus strand). VCF-style: chr10-125838284-G-A. GRCh37 (hg19) VCF-style: chr10-127526853-G-A.
Other names: c.775-2971G>A (NM_016567.4, NM_078469.3); short protein forms P662L.
Identifiers: ClinVar variation 2492295 (VCV002492295.5), dbSNP rs2494366186, ClinGen allele CA378672502.

ClinVar aggregate classification (germline): Uncertain significance. Review status: criteria provided, multiple submitters, no conflicts (2 of 4 stars). 2 submissions from 2 submitters: Uncertain significance (2). Last evaluated 2025-05-29.

Submissions (2):

Labcorp Genetics (formerly Invitae), Labcorp
Classification: Uncertain significance. Last evaluated: 2025-05-29. Review status: criteria provided, single submitter. Criteria: Invitae Variant Classification Sherloc (09022015). Collection method: clinical testing. Allele origin: germline.
Comment: This sequence change replaces proline, which is neutral and non-polar, with leucine, which is neutral and non-polar, at codon 662 of the DHX32 protein (p.Pro662Leu). This variant is not present in population databases (gnomAD no frequency). This variant has not been reported in the literature in individuals affected with DHX32-related conditions. ClinVar contains an entry for this variant (Variation ID: 2492295). An algorithm developed to predict the effect of missense changes on protein structure and function (PolyPhen-2) suggests that this variant is likely to be disruptive. In summary, the available evidence is currently insufficient to determine the role of this variant in disease. Therefore, it has been classified as a Variant of Uncertain Significance.

Ambry Genetics
Classification: Uncertain significance. Last evaluated: 2023-03-01. Review status: criteria provided, single submitter. Criteria: Ambry Variant Classification Scheme 2023. Collection method: clinical testing. Allele origin: germline.